The following is an entry in ClinVar:

ClinVar aggregate classification (germline): Likely pathogenic (1 of 4 stars; one submission).

Conditions:
Hypogonadotropic hypogonadism 2 with or without anosmia (HH2). Also called: FGFR1-Related GnRH Deficiency (Kallmann Syndrome 2); HYPOGONADOTROPIC HYPOGONADISM 2 WITH OR WITHOUT ANOSMIA, SUSCEPTIBILITY TO; HYPOGONADOTROPIC HYPOGONADISM 2 WITHOUT ANOSMIA, SUSCEPTIBILITY TO; HYPOGONADOTROPIC HYPOGONADISM 2 WITHOUT ANOSMIA. Identifiers: Orphanet 478, MedGen C1563720, MONDO:0007844, OMIM 147950. Disease mechanism: loss of function.
Jackson-Weiss syndrome (JWS). Also called: CRANIOSYNOSTOSIS, MIDFACIAL HYPOPLASIA, AND FOOT ABNORMALITIES. Identifiers: Orphanet 1540, MedGen C0795998, MONDO:0007400, OMIM 123150. Disease mechanism: loss of function.
Hartsfield-Bixler-Demyer syndrome (HRTFDS). Also called: Hartsfield syndrome; FGFR1-Related Hartsfield Syndrome; Holoprosencephaly, ectrodactyly, and bilateral cleft lip/palate. Identifiers: Orphanet 2117, MedGen C1845146, MONDO:0014196, OMIM 615465. Disease mechanism: loss of function.
Encephalocraniocutaneous lipomatosis (ECCL). Identifiers: Orphanet 2396, MedGen C0406612, MONDO:0013074, OMIM 613001.
Osteoglophonic dysplasia (OGD). Also called: Osteoglophonic dwarfism. Identifiers: Orphanet 2645, MedGen C0432283, MONDO:0008150, OMIM 166250.
Pfeiffer syndrome (ACS5). Also called: ACS V. Identifiers: Orphanet 710, MedGen C0220658, MONDO:0007043, OMIM 101600.
Trigonocephaly 1 (TRIGNO1). Identifiers: Orphanet 3366, MedGen C0432122, MONDO:0008603, OMIM 190440.

Submission:

Juno Genomics, Hangzhou Juno Genomics, Inc
Classification: Likely pathogenic for Trigonocephaly 1; Encephalocraniocutaneous lipomatosis; Hartsfield-Bixler-Demyer syndrome; Hypogonadotropic hypogonadism 2 with or without anosmia; Jackson-Weiss syndrome; Osteoglophonic dysplasia; Pfeiffer syndrome. Review status: criteria provided, single submitter. Criteria: ACMG Guidelines, 2015. Collection method: clinical testing. Allele origin: germline. Affected: yes.
Comment: Absent from controls (or at extremely low frequency if recessive) in Genome Aggregation Database, Exome Sequencing Project, 1000 Genomes Project, or Exome Aggregation Consortium.;De novo (both maternity and paternity confirmed) in a patient with the disease and no family history.;Multiple lines of computational evidence support a deleterious effect on the gene or gene product (conservation, evolutionary, splicing impact, etc).;Missense variant in a gene that has a low rate of benign missense variation and where missense variants are a common mechanism of disease.;Located in a mutational hot spot and/or critical and well-established functional domain (e.g. active site of an enzyme) without benign variation.

NM_023110.3(FGFR1):c.2156T>C (p.Met719Thr)

Gene: FGFR1 (fibroblast growth factor receptor 1; minus strand). Cytogenetic location: 8p11.23.
Variant type: single nucleotide variant.
Coding change: c.2156T>C on transcript NM_023110.3 (MANE Select); coding-DNA position 2156, T replaced by C.
Protein change: p.Met719Thr; replaces methionine 719 with threonine.
Molecular consequence: missense variant.
Genome position (GRCh38, 1-based): chr8:38,414,182, A>G on the plus strand (T>C on the coding strand, the complement: FGFR1 is on the minus strand). VCF-style: chr8-38414182-A-G. GRCh37 (hg19) VCF-style: chr8-38271700-A-G.
Other names: c.2150T>C, p.Met717Thr (NM_001174063.2, NM_001174065.2, NM_001354367.2 and 1 more transcripts); c.2126T>C, p.Met709Thr (NM_001174064.2); c.1889T>C, p.Met630Thr (NM_001174066.2, NM_023105.3); c.1883T>C, p.Met628Thr (NM_023106.3, NM_001354370.2); c.2249T>C, p.Met750Thr (NM_001174067.2); c.1877T>C, p.Met626Thr (NM_001354368.2); c.2144T>C, p.Met715Thr (NM_001354369.2, NM_001410922.1); short protein forms M626T, M628T, M630T, M709T, M715T, M717T, M719T, M750T.
Identifiers: ClinVar variation 4796553 (VCV004796553.1).